The following is an entry in ClinVar:

ClinVar aggregate classification (germline): Likely benign. Review status: criteria provided, multiple submitters, no conflicts (2 of 4 stars). 5 submissions from 5 submitters: Likely benign (4). 1 of the submissions does not count toward it. Last evaluated 2026-04-10.

Conditions:
POLD1-related disorder. Also called: POLD1-related condition; POLD1-related disorders.
POLD1-related polyposis and colorectal cancer syndrome (CRCS10). Also called: COLORECTAL CANCER, SUSCEPTIBILITY TO, ON CHROMOSOME 19q; Colorectal cancer 10; Colorectal cancer, susceptibility to, 10. Identifiers: Orphanet 220460, MedGen C2675481, MONDO:0012953, OMIM 612591.
Hereditary cancer-predisposing syndrome. Also called: Hereditary Cancer Syndrome; Neoplastic Syndromes, Hereditary; Hereditary neoplastic syndrome; Tumor predisposition. Identifiers: Orphanet 140162, MedGen C0027672, MeSH D009386, MONDO:0015356.

Allele frequency attached by ClinVar (database versions not stated): TOPMed 0.00006; ESP Exome Variant Server 0.00008.
gnomAD v4.1: 38 of 1,607,824 alleles (0.0024%); highest among the groups gnomAD compares: East Asian, 0.0045%; no homozygotes.

Submissions (5):

Women's Health and Genetics/Laboratory Corporation of America, LabCorp
Classification: Likely benign. Last evaluated: 2026-04-10. Review status: criteria provided, single submitter. Criteria: LabCorp Variant Classification Summary - May 2015. Collection method: clinical testing. Allele origin: germline.

Labcorp Genetics (formerly Invitae), Labcorp
Classification: Likely benign for POLD1-related polyposis and colorectal cancer syndrome. Last evaluated: 2025-12-15. Review status: criteria provided, single submitter. Criteria: Invitae Variant Classification Sherloc (09022015). Collection method: clinical testing. Allele origin: germline.

GeneDx
Classification: Likely benign. Last evaluated: 2017-01-26. Review status: criteria provided, single submitter. Criteria: GeneDx Variant Classification (06012015). Collection method: clinical testing. Allele origin: germline. Affected: yes.
Comment: This variant is considered likely benign or benign based on one or more of the following criteria: it is a conservative change, it occurs at a poorly conserved position in the protein, it is predicted to be benign by multiple in silico algorithms, and/or has population frequency not consistent with disease.

Ambry Genetics
Classification: Likely benign for Hereditary cancer-predisposing syndrome. Last evaluated: 2015-12-02. Review status: criteria provided, single submitter. Criteria: Ambry Variant Classification Scheme 2023. Collection method: clinical testing. Allele origin: germline.

PreventionGenetics, part of Exact Sciences
Classification: Likely benign for POLD1-related condition. Last evaluated: 2023-11-14. Review status: no assertion criteria provided. Collection method: clinical testing. Allele origin: germline. Not counted in ClinVar's aggregate classification.
Comment: This variant is classified as likely benign based on ACMG/AMP sequence variant interpretation guidelines (Richards et al. 2015 PMID: 25741868, with internal and published modifications).

NM_002691.4(POLD1):c.2454C>T (p.Pro818=)

Gene: POLD1 (DNA polymerase delta 1, catalytic subunit; plus strand). Cytogenetic location: 19q13.33.
Variant type: single nucleotide variant.
Coding change: c.2454C>T on transcript NM_002691.4 (MANE Select); coding-DNA position 2454, C replaced by T.
Protein change: p.Pro818=; no amino-acid change (proline 818 retained).
Molecular consequence: synonymous variant. On other transcripts: non-coding transcript variant (1).
Genome position (GRCh38, 1-based): chr19:50,414,880, C>T. VCF-style: chr19-50414880-C-T. GRCh37 (hg19) VCF-style: chr19-50918137-C-T.
Other names: c.2454C>T, p.Pro818= (NM_001256849.1); c.2532C>T, p.Pro844= (NM_001308632.1).
Identifiers: ClinVar variation 239293 (VCV000239293.19), dbSNP rs369444765, ClinGen allele CA9596530.